The following is an entry in ClinVar:

ClinVar aggregate classification (germline): Uncertain significance (0 of 4 stars; one submission).

Submission:

Richard Lifton Laboratory, Yale University School of Medicine
Classification: Uncertain significance. Review status: no assertion criteria provided. Collection method: not provided. Allele origin: somatic.
Comment: CENPJ
ClinVar note: Converted during submission from unknown to Uncertain significance.

NM_018451.5(CPAP):c.669C>A (p.Tyr223Ter)

Gene: CPAP (centrosome assembly and centriole elongation protein; minus strand). Cytogenetic location: 13q12.13.
Variant type: single nucleotide variant.
Coding change: c.669C>A on transcript NM_018451.5 (MANE Select); coding-DNA position 669, C replaced by A.
Protein change: p.Tyr223Ter; replaces tyrosine 223 with a stop codon.
Molecular consequence: nonsense. On other transcripts: non-coding transcript variant (2).
Genome position (GRCh38, 1-based): chr13:24,909,986, G>T on the plus strand (C>A on the coding strand, the complement: CPAP is on the minus strand). VCF-style: chr13-24909986-G-T. GRCh37 (hg19) VCF-style: chr13-25484124-G-T.
Other names: short protein forms Y223*.
Identifiers: ClinVar variation 92000 (VCV000092000.2), dbSNP rs386352291, ClinGen allele CA232324.